The following is an entry in ClinVar:

NM_024741.3(ZNF408):c.1274A>G (p.Lys425Arg)

Gene: ZNF408 (zinc finger protein 408; plus strand). Cytogenetic location: 11p11.2.
Variant type: single nucleotide variant.
Coding change: c.1274A>G on transcript NM_024741.3 (MANE Select); coding-DNA position 1274, A replaced by G.
Protein change: p.Lys425Arg; replaces lysine 425 with arginine.
Molecular consequence: missense variant.
Genome position (GRCh38, 1-based): chr11:46,704,974, A>G. VCF-style: chr11-46704974-A-G. GRCh37 (hg19) VCF-style: chr11-46726524-A-G.
Other names: c.1250A>G, p.Lys417Arg (NM_001184751.2); short protein forms K417R, K425R.
Identifiers: ClinVar variation 1509694 (VCV001509694.8), dbSNP rs765266301, ClinGen allele CA5966527.

ClinVar aggregate classification (germline): Uncertain significance (1 of 4 stars; one submission).

Allele frequency attached by ClinVar (database versions not stated): gnomAD 0.00001; gnomAD exomes 0.00002 and 0.00003; ExAC 0.00003.

Submission:

Labcorp Genetics (formerly Invitae), Labcorp
Classification: Uncertain significance. Last evaluated: 2022-10-04. Review status: criteria provided, single submitter. Criteria: Invitae Variant Classification Sherloc (09022015). Collection method: clinical testing. Allele origin: germline.
Comment: This sequence change replaces lysine, which is basic and polar, with arginine, which is basic and polar, at codon 425 of the ZNF408 protein (p.Lys425Arg). This variant is present in population databases (rs765266301, gnomAD 0.004%). This variant has not been reported in the literature in individuals affected with ZNF408-related conditions. Algorithms developed to predict the effect of missense changes on protein structure and function output the following: SIFT: "Tolerated"; PolyPhen-2: "Benign"; Align-GVGD: "Class C0". The arginine amino acid residue is found in multiple mammalian species, which suggests that this missense change does not adversely affect protein function. In summary, the available evidence is currently insufficient to determine the role of this variant in disease. Therefore, it has been classified as a Variant of Uncertain Significance. ClinVar contains an entry for this variant (Variation ID: 1509694).